The following is an entry in ClinVar:

NM_000271.5(NPC1):c.1165C>T (p.Arg389Cys)

Gene: NPC1 (NPC intracellular cholesterol transporter 1; minus strand). Cytogenetic location: 18q11.2.
Variant type: single nucleotide variant.
Coding change: c.1165C>T on transcript NM_000271.5 (MANE Select); coding-DNA position 1165, C replaced by T.
Protein change: p.Arg389Cys; replaces arginine 389 with cysteine.
Molecular consequence: missense variant.
Genome position (GRCh38, 1-based): chr18:23,556,404, G>A on the plus strand (C>T on the coding strand, the complement: NPC1 is on the minus strand). VCF-style: chr18-23556404-G-A. GRCh37 (hg19) VCF-style: chr18-21136368-G-A.
Other names: short protein forms R389C.
Identifiers: ClinVar variation 863837 (VCV000863837.24), dbSNP rs1053321823, ClinGen allele CA297069514.

ClinVar aggregate classification (germline): Pathogenic/Likely pathogenic. Review status: criteria provided, multiple submitters, no conflicts (2 of 4 stars). 6 submissions from 6 submitters: Pathogenic (2); Likely pathogenic (3). 1 of the submissions does not count toward it. Last evaluated 2026-02-16.

Conditions:
Sphingomyelin/cholesterol lipidosis. Also called: Niemann-Pick disease. Identifiers: MedGen C0028064, MONDO:0001982.
Niemann-Pick disease, type C1. Also called: NIEMANN-PICK DISEASE, VARIANT TYPE C1; NEUROVISCERAL STORAGE DISEASE WITH VERTICAL SUPRANUCLEAR OPHTHALMOPLEGIA; NIEMANN-PICK DISEASE WITH CHOLESTEROL ESTERIFICATION BLOCK; NIEMANN-PICK DISEASE WITHOUT SPHINGOMYELINASE DEFICIENCY; NIEMANN-PICK DISEASE, CHRONIC NEURONOPATHIC FORM. Identifiers: Orphanet 646, MedGen C3179455, MONDO:0009757, OMIM 257220.
Niemann-Pick disease, type C (NPC). Identifiers: Orphanet 646, MedGen C0220756, MONDO:0018982.

Allele frequency attached by ClinVar (database versions not stated): gnomAD exomes below 0.00001 and 0.00001; gnomAD 0.00001; TOPMed 0.00001.
gnomAD v4.1: 11 of 1,613,992 alleles (0.00068%); highest among the groups gnomAD compares: African/African-American, 0.0013%; no homozygotes.

Submissions (6):

Women's Health and Genetics/Laboratory Corporation of America, LabCorp
Classification: Pathogenic for Niemann-Pick disease, type C. Last evaluated: 2026-02-16. Review status: criteria provided, single submitter. Criteria: LabCorp Variant Classification Summary - May 2015. Collection method: clinical testing. Allele origin: germline.
Comment: Variant summary: NPC1 c.1165C>T (p.Arg389Cys) results in a non-conservative amino acid change in the encoded protein sequence. Algorithms developed to predict the effect of missense changes on protein structure and function all suggest that this variant is likely to be disruptive. The variant allele was found at a frequency of 4e-06 in 251218 control chromosomes. c.1165C>T has been observed in individual(s) affected with Niemann-Pick Disease Type C. These data indicate that the variant is likely to be associated with disease. To our knowledge, no experimental evidence demonstrating an impact on protein function has been reported. The following publications have been ascertained in the context of this evaluation (PMID: 24178705, 12955717, 33624863). ClinVar contains an entry for this variant (Variation ID: 863837). Other variants that disrupt this residue have been observed in individuals with NPC1-related conditions. Based on the evidence outlined above, the variant was classified as pathogenic.

Labcorp Genetics (formerly Invitae), Labcorp
Classification: Pathogenic for Niemann-Pick disease, type C1. Last evaluated: 2025-12-24. Review status: criteria provided, single submitter. Criteria: Invitae Variant Classification Sherloc (09022015). Collection method: clinical testing. Allele origin: germline.
Comment: This sequence change replaces arginine, which is basic and polar, with cysteine, which is neutral and slightly polar, at codon 389 of the NPC1 protein (p.Arg389Cys). This variant is present in population databases (no rsID available, gnomAD 0.003%). This missense change has been observed in individual(s) with NPC1-related conditions (PMID: 12955717, 24178705, 33624863; internal data). ClinVar contains an entry for this variant (Variation ID: 863837). Invitae Evidence Modeling of protein sequence and biophysical properties (such as structural, functional, and spatial information, amino acid conservation, physicochemical variation, residue mobility, and thermodynamic stability) indicates that this missense variant is expected to disrupt NPC1 protein function with a positive predictive value of 95%. This variant disrupts the p.Arg389 amino acid residue in NPC1. Other variant(s) that disrupt this residue have been observed in individuals with NPC1-related conditions (PMID: 19252935; internal data), which suggests that this may be a clinically significant amino acid residue. For these reasons, this variant has been classified as Pathogenic.

Myriad Genetics, Inc.
Classification: Likely pathogenic for Niemann-Pick disease, type C1. Last evaluated: 2025-10-15. Review status: criteria provided, single submitter. Criteria: Myriad Autosomal Dominant, Autosomal Recessive and X-Linked Classification Criteria (2023). Collection method: clinical testing. Allele origin: unknown.
Comment: NM_000271.4(NPC1):c.1165C>T(R389C) is a missense variant classified as likely pathogenic in the context of Niemann-Pick disease type C1. R389C has been observed in cases with relevant disease (PMID: 12955717, 24178705, 33624863, 38131230, Babu_2023_(Conference Paper)). Relevant functional assessments of this variant are not available in the literature. R389C has been observed in referenced population frequency databases. In summary, NM_000271.4(NPC1):c.1165C>T(R389C) is a missense variant that has been observed more frequently in cases with the relevant disease than in healthy populations. Please note: this variant was assessed in the context of healthy population screening.

Natera, Inc.
Classification: Likely pathogenic for Niemann-Pick disease type C1. Last evaluated: 2025-07-03. Review status: criteria provided, single submitter. Criteria: Natera Variant Classification Schema (03/2026). Collection method: clinical testing. Allele origin: germline.
Comment: The c.1165C>T variant in NPC1 is a missense variant predicted to cause substitution of arginine to cysteine at amino acid 389. This variant is rare in the general population with a frequency below the threshold expected for the associated phenotype(s). This variant has been observed in one or more individuals affected with the associated recessive disease, as either homozygous or compound heterozygous with a second variant (PMID: 33624863, 24178705). This variant has been identified in one or more affected individuals with a phenotype highly consistent with the associated gene (PMID: 33624863, 24178705). Computational prediction algorithms indicate this variant is likely to affect gene or protein function. Given the available evidence, this variant is classified as Likely Pathogenic.

Revvity Omics, Revvity
Classification: Likely pathogenic for Niemann-Pick disease, type C1. Last evaluated: 2022-11-09. Review status: criteria provided, single submitter. Criteria: ACMG Guidelines, 2015. Collection method: clinical testing. Allele origin: germline.

Department of Reproductive Genetics, International Peace Maternity and Child Health Hospital, Shanghai Jiao Tong University School of Medicine
Classification: Pathogenic for Niemann-Pick disease. Last evaluated: 2025-05-01. Review status: no assertion criteria provided. Collection method: clinical testing. Allele origin: inherited. Affected: yes. Not counted in ClinVar's aggregate classification.
Comment: The variant results in a missense substitution(p.Arg389Cys) at a conserved nucleotide, with an allele frequency of 0.00000682 in the gnomAD database. In-silico tools predicts a pathogenic outcome.Several independent studies have reported this variant in patients with compoud heterozygosity. The variant is reported as pathogenic in ClinVar (ID:3516).

Literature cited by the submitters: PubMed 12955717 (cited by 3 submitters); PubMed 33624863 (cited by 4 submitters); PubMed 24178705 (cited by 4 submitters); PubMed 19252935 (cited by Labcorp Genetics (formerly Invitae), Labcorp and Department of Reproductive Genetics, International Peace Maternity and Child Health Hospital, Shanghai Jiao Tong University School of Medicine); PubMed 28703315 (cited by Department of Reproductive Genetics, International Peace Maternity and Child Health Hospital, Shanghai Jiao Tong University School of Medicine).